The following is an entry in ClinVar:

NM_014804.3(KIAA0753):c.190C>T (p.His64Tyr)

Gene: KIAA0753 (KIAA0753; minus strand). Cytogenetic location: 17p13.1.
Variant type: single nucleotide variant.
Coding change: c.190C>T on transcript NM_014804.3 (MANE Select); coding-DNA position 190, C replaced by T.
Protein change: p.His64Tyr; replaces histidine 64 with tyrosine.
Molecular consequence: missense variant. On other transcripts: 5 prime UTR variant (1), non-coding transcript variant (3).
Genome position (GRCh38, 1-based): chr17:6,628,645, G>A on the plus strand (C>T on the coding strand, the complement: KIAA0753 is on the minus strand). VCF-style: chr17-6628645-G-A. GRCh37 (hg19) VCF-style: chr17-6531965-G-A.
Other names: c.-1045C>T (NM_001351225.2); short protein forms H64Y.
Identifiers: ClinVar variation 2094165 (VCV002094165.4), dbSNP rs2544523536, ClinGen allele CA397415450.

ClinVar aggregate classification (germline): Uncertain significance (1 of 4 stars; one submission).

Allele frequency attached by ClinVar (database versions not stated): gnomAD exomes below 0.00001.
gnomAD v4.1: 2 of 1,614,144 alleles (0.00012%); highest among the groups gnomAD compares: Non-Finnish European, 0.00017%; no homozygotes.

Submission:

Labcorp Genetics (formerly Invitae), Labcorp
Classification: Uncertain significance. Last evaluated: 2022-04-06. Review status: criteria provided, single submitter. Criteria: Invitae Variant Classification Sherloc (09022015). Collection method: clinical testing. Allele origin: germline.
Comment: In summary, the available evidence is currently insufficient to determine the role of this variant in disease. Therefore, it has been classified as a Variant of Uncertain Significance. Algorithms developed to predict the effect of missense changes on protein structure and function are either unavailable or do not agree on the potential impact of this missense change (SIFT: "Tolerated"; PolyPhen-2: "Probably Damaging"; Align-GVGD: "Class C0"). This variant has not been reported in the literature in individuals affected with KIAA0753-related conditions. This variant is not present in population databases (gnomAD no frequency). This sequence change replaces histidine, which is basic and polar, with tyrosine, which is neutral and polar, at codon 64 of the KIAA0753 protein (p.His64Tyr).